The following is an entry in ClinVar:

NM_001136472.2(LITAF):c.335G>A (p.Gly112Asp)

Gene: LITAF (lipopolysaccharide induced TNF factor; minus strand). Cytogenetic location: 16p13.13.
Variant type: single nucleotide variant.
Coding change: c.335G>A on transcript NM_001136472.2 (MANE Select); coding-DNA position 335, G replaced by A.
Protein change: p.Gly112Asp; replaces glycine 112 with aspartic acid.
Molecular consequence: missense variant. On other transcripts: non-coding transcript variant (1).
Genome position (GRCh38, 1-based): chr16:11,553,575, C>T on the plus strand (G>A on the coding strand, the complement: LITAF is on the minus strand). VCF-style: chr16-11553575-C-T. GRCh37 (hg19) VCF-style: chr16-11647431-C-T.
Other names: c.335G>A, p.Gly112Asp (NM_001136473.1, NM_004862.4); short protein forms G112D.
Identifiers: ClinVar variation 3003755 (VCV003003755.3), dbSNP rs2506596917, ClinGen allele CA394765295.

ClinVar aggregate classification (germline): Uncertain significance (1 of 4 stars; one submission).

Conditions:
Charcot-Marie-Tooth disease type 1C. Also called: CHARCOT-MARIE-TOOTH DISEASE, DEMYELINATING, TYPE 1C; CMT, SLOW NERVE CONDUCTION TYPE C; HMSN IC; Charcot-Marie-Tooth disease, type IC; CHARCOT-MARIE-TOOTH NEUROPATHY, TYPE 1C; NEUROPATHY, HEREDITARY MOTOR AND SENSORY, TYPE IC. Identifiers: Orphanet 101083, MedGen C0270913, MONDO:0010995, OMIM 601098.

Submission:

Labcorp Genetics (formerly Invitae), Labcorp
Classification: Uncertain significance for Charcot-Marie-Tooth disease type 1C. Last evaluated: 2022-12-05. Review status: criteria provided, single submitter. Criteria: Invitae Variant Classification Sherloc (09022015). Collection method: clinical testing. Allele origin: germline.
Comment: This sequence change replaces glycine, which is neutral and non-polar, with aspartic acid, which is acidic and polar, at codon 112 of the LITAF protein (p.Gly112Asp). This variant is not present in population databases (gnomAD no frequency). This variant has not been reported in the literature in individuals affected with LITAF-related conditions. Algorithms developed to predict the effect of missense changes on protein structure and function (SIFT, PolyPhen-2, Align-GVGD) all suggest that this variant is likely to be disruptive. This variant disrupts the p.Gly112 amino acid residue in LITAF. Other variant(s) that disrupt this residue have been determined to be pathogenic (PMID: 12525712, 15122712, 15776429, 23576546, 25058650). This suggests that this residue is clinically significant, and that variants that disrupt this residue are likely to be disease-causing. In summary, the available evidence is currently insufficient to determine the role of this variant in disease. Therefore, it has been classified as a Variant of Uncertain Significance.

Literature cited by the submitters: PubMed 12525712; PubMed 15122712; PubMed 15776429; PubMed 23576546; PubMed 25058650.